The following is an entry in ClinVar:

ClinVar aggregate classification (germline): Pathogenic/Likely pathogenic. Review status: criteria provided, multiple submitters, no conflicts (2 of 4 stars). 6 submissions from 6 submitters: Pathogenic (3); Likely pathogenic (2). 1 of the submissions does not count toward it. Last evaluated 2024-08-22.

Conditions:
CFTR-related disorder (CFTR-RD). Also called: CFTR-related disorders; CFTR-related condition. Identifiers: MedGen C5924204, MONDO:7770004.
Bronchiectasis with or without elevated sweat chloride 1 (BESC1). Also called: Cystic Fibrosis-Like Syndrome. Identifiers: Orphanet 60033, MedGen C2749757, MONDO:0008887, OMIM 211400.
Cystic fibrosis (CF). Also called: MUCOVISCIDOSIS. Identifiers: Orphanet 586, MedGen C0010674, MONDO:0009061, OMIM 219700. Disease mechanism: loss of function.

gnomAD v4.1: 8 of 1,613,816 alleles (0.0005%); highest among the groups gnomAD compares: Non-Finnish European, 0.00068%; no homozygotes.

Submissions (6):

Women's Health and Genetics/Laboratory Corporation of America, LabCorp
Classification: Likely pathogenic for Cystic fibrosis. Last evaluated: 2024-08-22. Review status: criteria provided, single submitter. Criteria: LabCorp Variant Classification Summary - May 2015. Collection method: clinical testing. Allele origin: germline.
Comment: Variant summary: CFTR c.743+1G>C is located in a canonical splice-site and is predicted to affect mRNA splicing resulting in a significantly altered protein due to either exon skipping, shortening, or inclusion of intronic material. Variants that disrupt the consensus splice site are a relatively common cause of aberrant splicing and loss of CFTR function. Several computational tools predict a significant impact on normal splicing: Three predict the variant abolishes a 5' splicing donor site. However, these predictions have yet to be confirmed by functional studies. The variant was absent in 251316 control chromosomes. c.743+1G>C, also known under the legacy name 875+1G>C, has been reported in the literature in individuals affected with Cystic Fibrosis (e.g., Wilschanski_1995, Scotet_2003). These data indicate that the variant is likely to be associated with disease. To our knowledge, no experimental evidence demonstrating an impact on protein function has been reported. The following publications have been ascertained in the context of this evaluation (PMID: 12815607, 7472820). ClinVar contains an entry for this variant (Variation ID: 54052). Based on the evidence outlined above, the variant was classified as likely pathogenic.

Natera, Inc.
Classification: Pathogenic for CFTR-related disorders. Last evaluated: 2024-05-24. Review status: criteria provided, single submitter. Criteria: Natera Variant Classification Schema (03/2026). Collection method: clinical testing. Allele origin: germline.
Comment: The c.743+1G>C variant in CFTR is a canonical splice donor site variant predicted to affect pre-mRNA splicing, which may result in an abnormal transcript and altered protein product. This variant is expected to result in nonsense mediated decay, truncation, or a dysfunctional protein product. This variant is rare in the general population with a frequency below the threshold expected for the associated phenotype(s). This variant has been observed in one or more individuals affected with the associated recessive disease, as either homozygous or compound heterozygous with a second variant (PMID: 7472820). Additionally, this variant has been observed to segregate in affected family members (PMID: 7472820). Another variant at this same site results in an alteration predicted to cause a similar molecular effect has been observed in individual(s) with the associated phenotype. Given the available evidence, this variant is classified as Pathogenic.

Baylor Genetics
Classification: Pathogenic for Bronchiectasis with or without elevated sweat chloride 1. Last evaluated: 2023-09-26. Review status: criteria provided, single submitter. Criteria: ACMG Guidelines, 2015. Collection method: clinical testing. Allele origin: unknown.

Labcorp Genetics (formerly Invitae), Labcorp
Classification: Pathogenic for Cystic fibrosis. Last evaluated: 2023-07-10. Review status: criteria provided, single submitter. Criteria: Invitae Variant Classification Sherloc (09022015). Collection method: clinical testing. Allele origin: germline.
Comment: Disruption of this splice site has been observed in individuals with cystic fibrosis (PMID: 7472820, 12454843, 19481507, 22658665). This variant is not present in population databases (gnomAD no frequency). This sequence change affects a donor splice site in intron 6 of the CFTR gene. It is expected to disrupt RNA splicing. Variants that disrupt the donor or acceptor splice site typically lead to a loss of protein function (PMID: 16199547), and loss-of-function variants in CFTR are known to be pathogenic (PMID: 1695717, 7691345, 9725922). For these reasons, this variant has been classified as Pathogenic. Algorithms developed to predict the effect of sequence changes on RNA splicing suggest that this variant may disrupt the consensus splice site. ClinVar contains an entry for this variant (Variation ID: 54052). This variant is also known as c.875+1G>C.

Mayo Clinic Laboratories, Mayo Clinic
Classification: Likely pathogenic. Last evaluated: 2019-05-01. Review status: criteria provided, single submitter. Criteria: ACMG Guidelines, 2015. Collection method: clinical testing. Allele origin: germline. Observed: 1 variant allele.
Comment: PVS1, PM2

Counsyl
Classification: Likely pathogenic for Cystic fibrosis. Last evaluated: 2014-08-20. Review status: no assertion criteria provided. Collection method: literature only. Allele origin: unknown. Inheritance: Autosomal recessive inheritance. Not counted in ClinVar's aggregate classification.

Literature cited by the submitters: PubMed 12815607 (cited by Women's Health and Genetics/Laboratory Corporation of America, LabCorp and Counsyl); PubMed 7472820 (cited by 5 submitters); PubMed 12454843 (cited by Labcorp Genetics (formerly Invitae), Labcorp and Counsyl); PubMed 19481507 (cited by Labcorp Genetics (formerly Invitae), Labcorp); PubMed 22658665 (cited by 3 submitters); PubMed 16199547 (cited by Labcorp Genetics (formerly Invitae), Labcorp); PubMed 1695717 (cited by Labcorp Genetics (formerly Invitae), Labcorp); PubMed 7691345 (cited by Labcorp Genetics (formerly Invitae), Labcorp); PubMed 9725922 (cited by Labcorp Genetics (formerly Invitae), Labcorp); PubMed 20059485 (cited by Counsyl); PubMed 20932301 (cited by Counsyl).

NM_000492.4(CFTR):c.743+1G>C

Gene: CFTR (CF transmembrane conductance regulator; plus strand). Cytogenetic location: 7q31.2.
Variant type: single nucleotide variant.
Coding change: c.743+1G>C on transcript NM_000492.4 (MANE Select); the canonical splice donor site of the intron after coding-DNA position 743, G replaced by C.
Molecular consequence: splice donor variant.
Genome position (GRCh38, 1-based): chr7:117,535,412, G>C. VCF-style: chr7-117535412-G-C. GRCh37 (hg19) VCF-style: chr7-117175466-G-C.
Identifiers: ClinVar variation 54052 (VCV000054052.20), dbSNP rs397508791, ClinGen allele CA327644.